The following is an entry in ClinVar:

ClinVar aggregate classification (germline): Pathogenic (1 of 4 stars; one submission).

Conditions:
Intellectual developmental disorder, autosomal dominant 64. Also called: MENTAL RETARDATION, AUTOSOMAL DOMINANT 64. Identifiers: MedGen C5543067, MONDO:0030934, OMIM 619188.

Submission:

Human Genetics Bochum, Ruhr University Bochum
Classification: Pathogenic for Intellectual developmental disorder, autosomal dominant 64. Last evaluated: 2024-07-11. Review status: criteria provided, single submitter. Criteria: ACMG Guidelines, 2015. Collection method: clinical testing. Allele origin: germline. Affected: yes.
Comment: ACMG criteria used to clasify this variant: PVS1, PS2, PM2_SUP

NM_015021.3(ZNF292):c.2966_2967del (p.Arg989fs)

Gene: ZNF292 (zinc finger protein 292; plus strand). Cytogenetic location: 6q14.3.
Variant type: Microsatellite.
Coding change: c.2966_2967del on transcript NM_015021.3 (MANE Select); coding-DNA positions 2966 to 2967, 2 bases deleted (GA; older notation c.2966_2967delGA).
Protein change: p.Arg989fs; shifts the reading frame from arginine 989.
Molecular consequence: frameshift variant.
Genome position (GRCh38, 1-based): chr6:87,256,595-87,256,596, GA deleted; deleting any 2 consecutive bases within chr6:87,256,591-87,256,596 gives the same sequence; the c. name uses the placement nearest the transcript's 3' end. VCF-style (leftmost placement, unchanged base first): chr6-87256590-GGA-G. GRCh37 (hg19) VCF-style: chr6-87966308-GGA-G.
Other names: c.2546_2547del, p.Arg849fs (NM_001351444.2); short protein forms R849fs, R989fs.
Identifiers: ClinVar variation 4687979 (VCV004687979.1).
Genomic context (GRCh38, chr6:87,256,590, plus strand): 5'-CACAGACTTACATACGCCAGTTGAAGATACTTGTAATGATTTGTGTCATCCAGGTTTCCA[GGA>G]GAGAAAAGAACAAGATTGCTTTAATGATGCCCATGTTACTCAGAATTCTTTAGTAAATTC-3'